The following is an entry in ClinVar:

ClinVar aggregate classification (germline): Uncertain significance (1 of 4 stars; one submission).

Submission:

GeneDx
Classification: Uncertain significance. Last evaluated: 2023-01-17. Review status: criteria provided, single submitter. Criteria: GeneDx Variant Classification Process June 2021. Collection method: clinical testing. Allele origin: germline. Affected: yes.
Comment: Not observed at significant frequency in large population cohorts (gnomAD); In silico analysis supports that this missense variant has a deleterious effect on protein structure/function; Has not been previously published as pathogenic or benign to our knowledge

NM_007118.4(TRIO):c.5965G>T (p.Gly1989Cys)

Gene: TRIO (trio Rho guanine nucleotide exchange factor; plus strand). Cytogenetic location: 5p15.2.
Variant type: single nucleotide variant.
Coding change: c.5965G>T on transcript NM_007118.4 (MANE Select); coding-DNA position 5965, G replaced by T.
Protein change: p.Gly1989Cys; replaces glycine 1989 with cysteine.
Molecular consequence: missense variant. On other transcripts: non-coding transcript variant (1).
Genome position (GRCh38, 1-based): chr5:14,472,644, G>T. VCF-style: chr5-14472644-G-T. GRCh37 (hg19) VCF-style: chr5-14472753-G-T.
Other names: short protein forms G1989C.
Identifiers: ClinVar variation 2572914 (VCV002572914.1), dbSNP rs2533573140, ClinGen allele CA359228850.